The following is an entry in ClinVar:

NM_005269.3(GLI1):c.3318C>T (p.Ala1106=)

Gene: GLI1 (GLI family zinc finger 1; plus strand). Cytogenetic location: 12q13.3.
Variant type: single nucleotide variant.
Coding change: c.3318C>T on transcript NM_005269.3 (MANE Select); coding-DNA position 3318, C replaced by T.
Protein change: p.Ala1106=; no amino-acid change (alanine 1106 retained).
Molecular consequence: synonymous variant.
Genome position (GRCh38, 1-based): chr12:57,472,058, C>T. VCF-style: chr12-57472058-C-T. GRCh37 (hg19) VCF-style: chr12-57865841-C-T.
Other names: c.2934C>T, p.Ala978= (NM_001160045.2); c.3195C>T, p.Ala1065= (NM_001167609.2).
Identifiers: ClinVar variation 779527 (VCV000779527.7), dbSNP rs61734544, ClinGen allele CA6649122.

ClinVar aggregate classification (germline): Benign. Review status: criteria provided, multiple submitters, no conflicts (2 of 4 stars). 3 submissions from 3 submitters: Benign (2). 1 of the submissions does not count toward it. Last evaluated 2019-12-31.

Conditions:
GLI1-related disorder. Also called: GLI1-related condition.

Allele frequency attached by ClinVar (database versions not stated): gnomAD exomes 0.00252; ExAC 0.00261; gnomAD 0.00822 and 0.00889; 1000 Genomes Project 30x 0.00843; 1000 Genomes Project 0.00879; TOPMed 0.00910; ESP Exome Variant Server 0.00915.
gnomAD v4.1: 2,150 of 1,486,402 alleles (0.14%); highest among the groups gnomAD compares: African/African-American, 2.8%; 25 homozygotes.

Submissions (3):

Labcorp Genetics (formerly Invitae), Labcorp
Classification: Benign. Last evaluated: 2019-12-31. Review status: criteria provided, single submitter. Criteria: Invitae Variant Classification Sherloc (09022015). Collection method: clinical testing. Allele origin: germline.

Breakthrough Genomics
Classification: Benign. Review status: criteria provided, single submitter. Criteria: ACMG Guidelines, 2015. Collection method: not provided. Allele origin: germline. Inheritance: Autosomal recessive inheritance. Affected: yes.

PreventionGenetics, part of Exact Sciences
Classification: Benign for GLI1-related condition. Last evaluated: 2019-06-25. Review status: no assertion criteria provided. Collection method: clinical testing. Allele origin: germline. Not counted in ClinVar's aggregate classification.
Comment: This variant is classified as benign based on ACMG/AMP sequence variant interpretation guidelines (Richards et al. 2015 PMID: 25741868, with internal and published modifications).